The following is an entry in ClinVar:

ClinVar aggregate classification (germline): Uncertain significance (1 of 4 stars; one submission).

Submission:

Mayo Clinic Laboratories, Mayo Clinic
Classification: Uncertain significance. Last evaluated: 2025-08-30. Review status: criteria provided, single submitter. Criteria: ACMG Guidelines, 2015. Collection method: clinical testing. Allele origin: germline. Observed: 1 variant allele.
Comment: BP4, PM2_supporting

NM_012233.3(RAB3GAP1):c.2362G>A (p.Ala788Thr)

Gene: RAB3GAP1 (RAB3 GTPase activating protein catalytic subunit 1; plus strand). Cytogenetic location: 2q21.3.
Variant type: single nucleotide variant.
Coding change: c.2362G>A on transcript NM_012233.3 (MANE Select); coding-DNA position 2362, G replaced by A.
Protein change: p.Ala788Thr; replaces alanine 788 with threonine.
Molecular consequence: missense variant.
Genome position (GRCh38, 1-based): chr2:135,162,627, G>A. VCF-style: chr2-135162627-G-A. GRCh37 (hg19) VCF-style: chr2-135920197-G-A.
Other names: p.Ala788Thr; c.2362G>A, p.Ala788Thr (NM_001172435.2); short protein forms A788T.
Identifiers: ClinVar variation 4540679 (VCV004540679.1).